The following is an entry in ClinVar:

ClinVar aggregate classification (germline): Benign (0 of 4 stars; one submission).

Conditions:
TAOK1-related disorder. Also called: TAOK1-related condition.

Allele frequency attached by ClinVar (database versions not stated): 1000 Genomes Project 0.82987; 1000 Genomes Project 30x 0.83495; ExAC 0.83849; gnomAD 0.86012; TOPMed 0.86646; ESP Exome Variant Server 0.87106.
gnomAD v4.1: 1,371,318 of 1,613,316 alleles (85%); highest among the groups gnomAD compares: Middle Eastern, 90%; 583,886 homozygotes.

Submission:

PreventionGenetics, part of Exact Sciences
Classification: Benign for TAOK1-related condition. Last evaluated: 2019-10-29. Review status: no assertion criteria provided. Collection method: clinical testing. Allele origin: germline.
Comment: This variant is classified as benign based on ACMG/AMP sequence variant interpretation guidelines (Richards et al. 2015 PMID: 25741868, with internal and published modifications).

NM_020791.4(TAOK1):c.1563C>T (p.Ala521=)

Gene: TAOK1 (TAO kinase 1; plus strand). Cytogenetic location: 17q11.2.
Variant type: single nucleotide variant.
Coding change: c.1563C>T on transcript NM_020791.4 (MANE Select); coding-DNA position 1563, C replaced by T.
Protein change: p.Ala521=; no amino-acid change (alanine 521 retained).
Molecular consequence: synonymous variant.
Genome position (GRCh38, 1-based): chr17:29,508,120, C>T. VCF-style: chr17-29508120-C-T. GRCh37 (hg19) VCF-style: chr17-27835138-C-T.
Other names: c.1563C>T, p.Ala521= (NM_025142.1).
Identifiers: ClinVar variation 3059233 (VCV003059233.2), dbSNP rs508706, ClinGen allele CA8474682.